The following is an entry in ClinVar:

ClinVar aggregate classification (germline): Uncertain significance (1 of 4 stars; one submission).

Conditions:
Transcobalamin II deficiency (TCN2D). Also called: TC II DEFICIENCY; TCN2 DEFICIENCY; Transcolabamin II deficiency. Identifiers: Orphanet 859, MedGen C0342701, MONDO:0010149, OMIM 275350.

Allele frequency attached by ClinVar (database versions not stated): gnomAD 0.00002; gnomAD exomes 0.00003; TOPMed 0.00003; ExAC 0.00009.

Submission:

Labcorp Genetics (formerly Invitae), Labcorp
Classification: Uncertain significance for Transcobalamin II deficiency. Last evaluated: 2022-09-07. Review status: criteria provided, single submitter. Criteria: Invitae Variant Classification Sherloc (09022015). Collection method: clinical testing. Allele origin: germline.
Comment: This sequence change replaces arginine, which is basic and polar, with cysteine, which is neutral and slightly polar, at codon 208 of the TCN2 protein (p.Arg208Cys). This variant is present in population databases (rs773590736, gnomAD 0.01%). This variant has not been reported in the literature in individuals affected with TCN2-related conditions. Algorithms developed to predict the effect of missense changes on protein structure and function are either unavailable or do not agree on the potential impact of this missense change (SIFT: "Tolerated"; PolyPhen-2: "Probably Damaging"; Align-GVGD: "Class C0"). In summary, the available evidence is currently insufficient to determine the role of this variant in disease. Therefore, it has been classified as a Variant of Uncertain Significance.

NM_000355.4(TCN2):c.622C>T (p.Arg208Cys)

Gene: TCN2 (transcobalamin 2; plus strand). Cytogenetic location: 22q12.2.
Variant type: single nucleotide variant.
Coding change: c.622C>T on transcript NM_000355.4 (MANE Select); coding-DNA position 622, C replaced by T.
Protein change: p.Arg208Cys; replaces arginine 208 with cysteine.
Molecular consequence: missense variant.
Genome position (GRCh38, 1-based): chr22:30,615,342, C>T. VCF-style: chr22-30615342-C-T. GRCh37 (hg19) VCF-style: chr22-31011329-C-T.
Other names: c.541C>T, p.Arg181Cys (NM_001184726.2); short protein forms R181C, R208C.
Identifiers: ClinVar variation 2157441 (VCV002157441.1), dbSNP rs773590736, ClinGen allele CA10184754.